The following is an entry in ClinVar:

ClinVar aggregate classification (germline): Benign/Likely benign. Review status: criteria provided, multiple submitters, no conflicts (2 of 4 stars). 5 submissions from 5 submitters: Benign (1); Likely benign (3). 1 of the submissions does not count toward it. Last evaluated 2026-04-21.

Conditions:
DICER1-related disorder. Also called: DICER1-related condition.
DICER1-related tumor predisposition. Also called: DICER1-related pleuropulmonary blastoma cancer predisposition syndrome; DICER1 syndrome. Identifiers: Orphanet 284343, MedGen C3839822, MONDO:0100216.
Hereditary cancer-predisposing syndrome. Also called: Hereditary neoplastic syndrome; Neoplastic Syndromes, Hereditary; Hereditary Cancer Syndrome; Tumor predisposition. Identifiers: Orphanet 140162, MedGen C0027672, MeSH D009386, MONDO:0015356.

Allele frequency attached by ClinVar (database versions not stated): gnomAD 0.00001; gnomAD exomes 0.00001; ExAC 0.00001; TOPMed 0.00002.
gnomAD v4.1: 29 of 1,613,946 alleles (0.0018%); highest among the groups gnomAD compares: Middle Eastern, 0.017%; no homozygotes.

Submissions (5):

Myriad Genetics, Inc.
Classification: Benign for DICER1-related tumor predisposition. Last evaluated: 2026-04-21. Review status: criteria provided, single submitter. Criteria: Myriad Autosomal Dominant, Autosomal Recessive and X-Linked Classification Criteria (2023). Collection method: clinical testing. Allele origin: unknown.
Comment: This variant is considered benign. This variant is a silent/synonymous amino acid change and it is not expected to impact splicing.

Labcorp Genetics (formerly Invitae), Labcorp
Classification: Likely benign for DICER1-related tumor predisposition. Last evaluated: 2026-01-10. Review status: criteria provided, single submitter. Criteria: Invitae Variant Classification Sherloc (09022015). Collection method: clinical testing. Allele origin: germline.

Hereditary Cancer Group, L’Institut d'Investigació Biomèdica de Bellvitge
Classification: Likely benign for Hereditary cancer-predisposing syndrome. Last evaluated: 2024-12-19. Review status: criteria provided, single submitter. Criteria: Hatton et al. (Hum Mutat. 2023). Collection method: clinical testing. Allele origin: germline. Inheritance: Autosomal dominant inheritance. Affected: yes.
Comment: BP4, BP7

Ambry Genetics
Classification: Likely benign for Hereditary cancer-predisposing syndrome. Last evaluated: 2017-06-06. Review status: criteria provided, single submitter. Criteria: Ambry Variant Classification Scheme 2023. Collection method: clinical testing. Allele origin: germline.

PreventionGenetics, part of Exact Sciences
Classification: Likely benign for DICER1-related condition. Last evaluated: 2024-02-29. Review status: no assertion criteria provided. Collection method: clinical testing. Allele origin: germline. Not counted in ClinVar's aggregate classification.
Comment: This variant is classified as likely benign based on ACMG/AMP sequence variant interpretation guidelines (Richards et al. 2015 PMID: 25741868, with internal and published modifications).

NM_177438.3(DICER1):c.5748A>G (p.Gln1916=)

Gene: DICER1 (dicer 1, ribonuclease III; minus strand). Cytogenetic location: 14q32.13.
Variant type: single nucleotide variant.
Coding change: c.5748A>G on transcript NM_177438.3 (MANE Select); coding-DNA position 5748, A replaced by G.
Protein change: p.Gln1916=; no amino-acid change (glutamine 1916 retained).
Molecular consequence: synonymous variant. On other transcripts: 3 prime UTR variant (1).
Genome position (GRCh38, 1-based): chr14:95,090,519, T>C on the plus strand (A>G on the coding strand, the complement: DICER1 is on the minus strand). VCF-style: chr14-95090519-T-C. GRCh37 (hg19) VCF-style: chr14-95556856-T-C.
Other names: c.*95A>G (NM_001195573.1); c.5748A>G, p.Gln1916= (NM_001271282.3, NM_001291628.2, NM_030621.4).
Identifiers: ClinVar variation 242143 (VCV000242143.21), dbSNP rs763651908, ClinGen allele CA7330598.
Genomic context (GRCh38, chr14:95,090,519, plus strand): 5'-TTTTGTTTTGTTTCTTGTTTTGAATTTTAAAAAGCGGTTTCAGCTATTGGGAACCTGAGG[T>C]TGATTAGCTTTGAGGCTTCGGAGGGCTCTTCTTGCTGCTGCAGATTTGGCAATCCTGTAA-3'
Protein context (NP_803187.1, residues 1906-1922): RRALRSLKAN[Gln1916=]PQVPNS